The following is an entry in ClinVar:

ClinVar aggregate classification (germline): Likely benign (1 of 4 stars; one submission).

Submission:

Mayo Clinic Laboratories, Mayo Clinic
Classification: Likely benign. Last evaluated: 2024-10-15. Review status: criteria provided, single submitter. Criteria: ACMG Guidelines, 2015. Collection method: clinical testing. Allele origin: germline. Observed: 1 variant allele.
Comment: BP4, BP7, PM2_supporting

NM_001172303.3(MASTL):c.2267-3155C>G

Gene: MASTL (microtubule associated serine/threonine kinase like; plus strand). Cytogenetic location: 10p12.1.
Variant type: single nucleotide variant.
Coding change: c.2267-3155C>G on transcript NM_001172303.3 (MANE Select); 3155 bases into the intron before coding-DNA position 2267, C replaced by G.
Molecular consequence: intron variant.
Genome position (GRCh38, 1-based): chr10:27,177,798, C>G. VCF-style: chr10-27177798-C-G. GRCh37 (hg19) VCF-style: chr10-27466727-C-G.
Other names: p.?; c.1784-3C>G (NM_001372029.1); c.1784-3155C>G (NM_001372030.1); c.2267-3C>G (NM_001320757.2); c.2264-3C>G (NM_001320756.2); c.2264-3155C>G (NM_032844.5); c.2264-3682C>G (NM_001172304.3).
Identifiers: ClinVar variation 4683499 (VCV004683499.1).